The following is an entry in ClinVar:

NM_001258392.3(CLPB):c.1017C>T (p.Tyr339=)

Gene: CLPB (ClpB family mitochondrial disaggregase; minus strand). Cytogenetic location: 11q13.4.
Variant type: single nucleotide variant.
Coding change: c.1017C>T on transcript NM_001258392.3 (MANE Select); coding-DNA position 1017, C replaced by T.
Protein change: p.Tyr339=; no amino-acid change (tyrosine 339 retained).
Molecular consequence: synonymous variant.
Genome position (GRCh38, 1-based): chr11:72,308,576, G>A on the plus strand (C>T on the coding strand, the complement: CLPB is on the minus strand). VCF-style: chr11-72308576-G-A. GRCh37 (hg19) VCF-style: chr11-72019620-G-A.
Other names: c.930C>T, p.Tyr310= (NM_001258393.3); c.972C>T, p.Tyr324= (NM_001258394.3); c.1107C>T, p.Tyr369= (NM_030813.6).
Identifiers: ClinVar variation 512077 (VCV000512077.2), dbSNP rs772512727, ClinGen allele CA475610133.

ClinVar aggregate classification (germline): Likely benign. Review status: criteria provided, multiple submitters, no conflicts (2 of 4 stars). 2 submissions from 2 submitters: Likely benign (2). Last evaluated 2026-01-21.

Conditions:
3-methylglutaconic aciduria, type VIIB (MGCA7B). Also called: 3-methylglutaconic aciduria, type VII, with cataracts, neurologic involvement and neutropenia; CLPB Deficiency; 3-methylglutaconic aciduria with cataracts, neurologic involvement and neutropenia. Identifiers: Orphanet 445038, MedGen C5676893, MONDO:0014561, OMIM 616271.

Allele frequency attached by ClinVar (database versions not stated): TOPMed 0.00001.
gnomAD v4.1: 4 of 1,614,130 alleles (0.00025%); highest among the groups gnomAD compares: Non-Finnish European, 0.00034%; no homozygotes.

Submissions (2):

Labcorp Genetics (formerly Invitae), Labcorp
Classification: Likely benign for 3-methylglutaconic aciduria, type VIIB. Last evaluated: 2026-01-21. Review status: criteria provided, single submitter. Criteria: Invitae Variant Classification Sherloc (09022015). Collection method: clinical testing. Allele origin: germline.

GeneDx
Classification: Likely benign. Last evaluated: 2017-09-26. Review status: criteria provided, single submitter. Criteria: GeneDx Variant Classification (06012015). Collection method: clinical testing. Allele origin: germline. Affected: yes.
Comment: This variant is considered likely benign or benign based on one or more of the following criteria: it is a conservative change, it occurs at a poorly conserved position in the protein, it is predicted to be benign by multiple in silico algorithms, and/or has population frequency not consistent with disease.